The following is an entry in ClinVar:

NM_001080476.3(GRXCR1):c.628-11C>T

Gene: GRXCR1 (glutaredoxin and cysteine rich domain containing 1; plus strand). Cytogenetic location: 4p13.
Variant type: single nucleotide variant.
Coding change: c.628-11C>T on transcript NM_001080476.3 (MANE Select); 11 bases into the intron before coding-DNA position 628, C replaced by T.
Molecular consequence: intron variant.
Genome position (GRCh38, 1-based): chr4:43,020,343, C>T. VCF-style: chr4-43020343-C-T. GRCh37 (hg19) VCF-style: chr4-43022360-C-T.
Identifiers: ClinVar variation 163655 (VCV000163655.4), dbSNP rs727503089, ClinGen allele CA176272.

ClinVar aggregate classification (germline): Likely benign (1 of 4 stars; one submission).

Allele frequency attached by ClinVar (database versions not stated): gnomAD exomes below 0.00001.
gnomAD v4.1: 7 of 1,582,622 alleles (0.00044%); highest among the groups gnomAD compares: Admixed American, 0.0017%; no homozygotes.

Submission:

Laboratory for Molecular Medicine, Mass General Brigham Personalized Medicine
Classification: Likely benign. Last evaluated: 2014-06-30. Review status: criteria provided, single submitter. Criteria: LMM Criteria. Collection method: clinical testing. Allele origin: germline. Observed: 1 variant allele.
Comment: 628-11C>T in intron 2 of GRXCR1: This variant is not expected to have clinical s ignificance because a C>T change at this position does not diverge from the spli ce consensus sequence and is therefore unlikely to impact splicing.